The following is an entry in ClinVar:

NM_014140.4(SMARCAL1):c.782T>C (p.Val261Ala)

Gene: SMARCAL1 (SNF2 related chromatin remodeling annealing helicase 1; plus strand). Cytogenetic location: 2q35.
Variant type: single nucleotide variant.
Coding change: c.782T>C on transcript NM_014140.4 (MANE Select); coding-DNA position 782, T replaced by C.
Protein change: p.Val261Ala; replaces valine 261 with alanine.
Molecular consequence: missense variant.
Genome position (GRCh38, 1-based): chr2:216,415,486, T>C. VCF-style: chr2-216415486-T-C. GRCh37 (hg19) VCF-style: chr2-217280209-T-C.
Other names: c.782T>C, p.Val261Ala (NM_001127207.2); short protein forms V261A.
Identifiers: ClinVar variation 3776387 (VCV003776387.1).

ClinVar aggregate classification (germline): Uncertain significance (1 of 4 stars; one submission).

Submission:

GeneDx
Classification: Uncertain significance. Last evaluated: 2024-10-04. Review status: criteria provided, single submitter. Criteria: GeneDx Variant Classification Process June 2021. Collection method: clinical testing. Allele origin: germline. Affected: yes.
Comment: Not observed at significant frequency in large population cohorts (gnomAD); In silico analysis supports that this missense variant has a deleterious effect on protein structure/function; Has not been previously published as pathogenic or benign to our knowledge